The following is an entry in ClinVar:

ClinVar aggregate classification (germline): Likely pathogenic (1 of 4 stars; one submission).

Conditions:
Gaucher disease. Also called: Acute cerebral Gaucher disease; Cerebroside lipidosis syndrome; Gaucher splenomegaly; Sphingolipidosis 1; Glucocerebrosidosis; Glucosylceramidase deficiency. Identifiers: Orphanet 355, MedGen C0017205, MONDO:0018150.

Submission:

Natera, Inc.
Classification: Likely pathogenic for Gaucher disease. Last evaluated: 2025-09-26. Review status: criteria provided, single submitter. Criteria: Natera Variant Classification Schema (03/2026). Collection method: clinical testing. Allele origin: germline.
Comment: The c.392A>G variant in GBA1 is a missense variant predicted to cause substitution of asparagine to serine at amino acid 131. This variant is rare in the general population with a frequency below the threshold expected for the associated phenotype(s). This variant has been observed in one or more individuals affected with the associated recessive disease, as either homozygous or compound heterozygous with a second variant (PMID: 30023299). Additionally, this variant has been observed to segregate in affected family members (PMID: 30023299). Computational prediction algorithms indicate this variant is likely to affect gene or protein function. Given the available evidence, this variant is classified as Likely Pathogenic.

Literature cited by the submitters: PubMed 30023299.

NM_000157.4(GBA1):c.392A>G (p.Asn131Ser)

Genes: GBA1 (glucosylceramidase beta 1; minus strand), LOC106627981 (GBA recombination region; plus strand). Cytogenetic location: 1q22.
Variant type: single nucleotide variant.
Coding change: c.392A>G on transcript NM_000157.4 (MANE Select); coding-DNA position 392, A replaced by G.
Protein change: p.Asn131Ser; replaces asparagine 131 with serine.
Molecular consequence: missense variant. On other transcripts: intron variant (1).
Genome position (GRCh38, 1-based): chr1:155,239,678, T>C on the plus strand (A>G on the coding strand, the complement: GBA1 is on the minus strand). VCF-style: chr1-155239678-T-C. GRCh37 (hg19) VCF-style: chr1-155209469-T-C.
Other names: c.392A>G, p.Asn131Ser (NM_001005741.3, NM_001005742.3); c.131A>G, p.Asn44Ser (NM_001171811.2); c.307+208A>G (NM_001171812.2); short protein forms N131S, N44S.
Identifiers: ClinVar variation 4817757 (VCV004817757.1).